The following is an entry in ClinVar:

NM_007255.3(B4GALT7):c.325del (p.Leu109fs)

Gene: B4GALT7 (beta-1,4-galactosyltransferase 7; plus strand). Cytogenetic location: 5q35.3.
Variant type: Deletion.
Coding change: c.325del on transcript NM_007255.3 (MANE Select); coding-DNA position 325, one base deleted (C; older notation c.325delC).
Protein change: p.Leu109fs; shifts the reading frame from leucine 109.
Molecular consequence: frameshift variant.
Genome position (GRCh38, 1-based): chr5:177,604,453, C deleted; the last of 2 consecutive C bases (chr5:177,604,452-177,604,453); deleting either gives the same sequence. VCF-style (leftmost placement, unchanged base first): chr5-177604451-TC-T. GRCh37 (hg19) VCF-style: chr5-177031452-TC-T.
Other names: short protein forms L109fs.
Identifiers: ClinVar variation 1406837 (VCV001406837.6), dbSNP rs2127511689, ClinGen allele CA2573139404.
Genomic context (GRCh38, chr5:177,604,451, plus strand): 5'-CATCCTGGGGCCCCCACCGCCTGGCAGTGCTGGTGCCCTTCCGCGAACGCTTCGAGGAGC[TC>T]CTGGTCTTCGTGCCCCACATGCGCCGCTTCCTGAGCAGGAAGAAGATCCGGCACCACATC-3'

ClinVar aggregate classification (germline): Pathogenic (1 of 4 stars; one submission).

Conditions:
Spondylodysplastic Ehlers-Danlos syndrome. Identifiers: Orphanet 536471, Orphanet 75496, MedGen C5680154, MONDO:0007526.

Submission:

Labcorp Genetics (formerly Invitae), Labcorp
Classification: Pathogenic for Spondylodysplastic Ehlers-Danlos syndrome. Last evaluated: 2025-09-04. Review status: criteria provided, single submitter. Criteria: Invitae Variant Classification Sherloc (09022015). Collection method: clinical testing. Allele origin: germline.
Comment: This sequence change creates a premature translational stop signal (p.Leu109Trpfs*11) in the B4GALT7 gene. It is expected to result in an absent or disrupted protein product. Loss-of-function variants in B4GALT7 are known to be pathogenic (PMID: 26940150, 31614862, 38431799). This variant is not present in population databases (gnomAD no frequency). This variant has not been reported in the literature in individuals affected with B4GALT7-related conditions. ClinVar contains an entry for this variant (Variation ID: 1406837). For these reasons, this variant has been classified as Pathogenic.

Literature cited by the submitters: PubMed 26940150; PubMed 31614862; PubMed 38431799.